The following is an entry in ClinVar:

ClinVar aggregate classification (germline): Uncertain significance (1 of 4 stars; one submission).

Submission:

Ambry Genetics
Classification: Uncertain significance. Last evaluated: 2024-04-12. Review status: criteria provided, single submitter. Criteria: Ambry Variant Classification Scheme 2023. Collection method: clinical testing. Allele origin: germline.
Comment: The p.Y157H variant (also known as c.469T>C), located in coding exon 2 of the GALNT12 gene, results from a T to C substitution at nucleotide position 469. The tyrosine at codon 157 is replaced by histidine, an amino acid with similar properties. This amino acid position is conserved. In addition, this alteration is predicted to be tolerated by in silico analysis. Based on the available evidence, the clinical significance of this variant remains unclear.

NM_024642.5(GALNT12):c.469T>C (p.Tyr157His)

Gene: GALNT12 (polypeptide N-acetylgalactosaminyltransferase 12; plus strand). Cytogenetic location: 9q22.33.
Variant type: single nucleotide variant.
Coding change: c.469T>C on transcript NM_024642.5 (MANE Select); coding-DNA position 469, T replaced by C.
Protein change: p.Tyr157His; replaces tyrosine 157 with histidine.
Molecular consequence: missense variant.
Genome position (GRCh38, 1-based): chr9:98,823,353, T>C. VCF-style: chr9-98823353-T-C. GRCh37 (hg19) VCF-style: chr9-101585635-T-C.
Other names: short protein forms Y157H.
Identifiers: ClinVar variation 3280545 (VCV003280545.1).
Genomic context (GRCh38, chr9:98,823,353, plus strand): 5'-AGGACATCTGTTATCATAGCATTTTATAATGAAGCCTGGTCAACTCTCCTTCGGACAGTT[T>C]ACAGTGTCCTTGAGACATCCCCGGATATCCTGCTAGAAGAAGTGATCCTTGTAGATGACT-3'
Protein context (NP_078918.3, residues 147-167): EAWSTLLRTV[Tyr157His]SVLETSPDIL